The following is an entry in ClinVar:

NM_000179.3(MSH6):c.1810G>T (p.Glu604Ter)

Gene: MSH6 (mutS homolog 6; plus strand). Cytogenetic location: 2p16.3.
Variant type: single nucleotide variant.
Coding change: c.1810G>T on transcript NM_000179.3 (MANE Select); coding-DNA position 1810, G replaced by T.
Protein change: p.Glu604Ter; replaces glutamic acid 604 with a stop codon.
Molecular consequence: nonsense.
Genome position (GRCh38, 1-based): chr2:47,799,793, G>T. VCF-style: chr2-47799793-G-T. GRCh37 (hg19) VCF-style: chr2-48026932-G-T.
Other names: c.1420G>T, p.Glu474Ter (NM_001281492.2); c.904G>T, p.Glu302Ter (NM_001281493.2, NM_001281494.2, NM_001406811.1 and 6 more transcripts); c.1906G>T, p.Glu636Ter (NM_001406795.1, NM_001406802.1); c.1810G>T, p.Glu604Ter (NM_001406796.1, NM_001406798.1, NM_001406800.1 and 3 more transcripts); c.1513G>T, p.Glu505Ter (NM_001406797.1, NM_001406801.1, NM_001406805.1 and 10 more transcripts); c.1285G>T, p.Glu429Ter (NM_001406799.1, NM_001406806.1, NM_001406807.1); c.1732G>T, p.Glu578Ter (NM_001406804.1); c.1816G>T, p.Glu606Ter (NM_001406813.1); and 1 more; short protein forms E474*, E636*, E302*, E429*, E578*, E604*, E606*, E505*.
Identifiers: ClinVar variation 1780582 (VCV001780582.7), dbSNP rs1669375976, ClinGen allele CA346749382.

ClinVar aggregate classification (germline): Pathogenic. Review status: criteria provided, multiple submitters, no conflicts (2 of 4 stars). 4 submissions from 4 submitters: Pathogenic (4). Last evaluated 2023-08-15.

Conditions:
Hereditary nonpolyposis colorectal neoplasms. Identifiers: MedGen C0009405, MeSH D003123.
Hereditary cancer-predisposing syndrome. Also called: Neoplastic Syndromes, Hereditary; Tumor predisposition; Hereditary Cancer Syndrome; Hereditary neoplastic syndrome. Identifiers: Orphanet 140162, MedGen C0027672, MeSH D009386, MONDO:0015356.
Mismatch repair cancer syndrome 3. Identifiers: MedGen C5436807, MONDO:0030841, OMIM 619097.
Lynch syndrome 5 (LYNCH5). Also called: Colorectal cancer, hereditary nonpolyposis, type 5; Hereditary non-polyposis colorectal cancer, type 5. Identifiers: Orphanet 144, MedGen C1833477, MONDO:0013710, OMIM 614350. Disease mechanism: loss of function.

Submissions (4):

Myriad Genetics, Inc.
Classification: Pathogenic for Lynch syndrome 5. Last evaluated: 2023-08-15. Review status: criteria provided, single submitter. Criteria: Myriad Autosomal Dominant, Autosomal Recessive and X-Linked Classification Criteria (2023). Collection method: clinical testing. Allele origin: unknown.
Comment: This variant is considered pathogenic. This variant creates a termination codon and is predicted to result in premature protein truncation.

Department of Pathology and Laboratory Medicine, Sinai Health System
Classification: Pathogenic for Mismatch repair cancer syndrome 3. Last evaluated: 2023-04-04. Review status: criteria provided, single submitter. Criteria: ACMG Guidelines, 2015. Collection method: clinical testing. Allele origin: germline. Affected: yes.

Labcorp Genetics (formerly Invitae), Labcorp
Classification: Pathogenic for Hereditary nonpolyposis colorectal neoplasms. Last evaluated: 2023-02-23. Review status: criteria provided, single submitter. Criteria: Invitae Variant Classification Sherloc (09022015). Collection method: clinical testing. Allele origin: germline.
Comment: This sequence change creates a premature translational stop signal (p.Glu604*) in the MSH6 gene. It is expected to result in an absent or disrupted protein product. Loss-of-function variants in MSH6 are known to be pathogenic (PMID: 18269114, 24362816). This variant is not present in population databases (gnomAD no frequency). This variant has not been reported in the literature in individuals affected with MSH6-related conditions. ClinVar contains an entry for this variant (Variation ID: 1780582). For these reasons, this variant has been classified as Pathogenic.

Ambry Genetics
Classification: Pathogenic for Hereditary cancer-predisposing syndrome. Last evaluated: 2017-07-13. Review status: criteria provided, single submitter. Criteria: Ambry Variant Classification Scheme 2023. Collection method: clinical testing. Allele origin: germline.
Comment: The p.E604* pathogenic mutation (also known as c.1810G>T), located in coding exon 4 of the MSH6 gene, results from a G to T substitution at nucleotide position 1810. This changes the amino acid from a glutamic acid to a stop codon within coding exon 4. This alteration is expected to result in loss of function by premature protein truncation or nonsense-mediated mRNA decay. As such, this alteration is interpreted as a disease-causing mutation.

Literature cited by the submitters: PubMed 18269114 (cited by Labcorp Genetics (formerly Invitae), Labcorp); PubMed 24362816 (cited by Labcorp Genetics (formerly Invitae), Labcorp).